The following is an entry in ClinVar:

ClinVar aggregate classification (germline): Uncertain significance (1 of 4 stars; one submission).

Submission:

GeneDx
Classification: Uncertain significance. Last evaluated: 2023-06-12. Review status: criteria provided, single submitter. Criteria: GeneDx Variant Classification Process June 2021. Collection method: clinical testing. Allele origin: germline. Affected: yes.
Comment: Not observed at significant frequency in large population cohorts (gnomAD); In silico analysis supports that this missense variant does not alter protein structure/function; Has not been previously published as pathogenic or benign to our knowledge

NM_000217.3(KCNA1):c.83C>G (p.Ala28Gly)

Gene: KCNA1 (potassium voltage-gated channel subfamily A member 1; plus strand). Cytogenetic location: 12p13.32.
Variant type: single nucleotide variant.
Coding change: c.83C>G on transcript NM_000217.3 (MANE Select); coding-DNA position 83, C replaced by G.
Protein change: p.Ala28Gly; replaces alanine 28 with glycine.
Molecular consequence: missense variant.
Genome position (GRCh38, 1-based): chr12:4,911,461, C>G. VCF-style: chr12-4911461-C-G. GRCh37 (hg19) VCF-style: chr12-5020627-C-G.
Other names: short protein forms A28G.
Identifiers: ClinVar variation 3359894 (VCV003359894.1).